The following is an entry in ClinVar:

NM_001036.6(RYR3):c.2884G>A (p.Gly962Ser)

Gene: RYR3 (ryanodine receptor 3; plus strand). Cytogenetic location: 15q14.
Variant type: single nucleotide variant.
Coding change: c.2884G>A on transcript NM_001036.6 (MANE Select); coding-DNA position 2884, G replaced by A.
Protein change: p.Gly962Ser; replaces glycine 962 with serine.
Molecular consequence: missense variant.
Genome position (GRCh38, 1-based): chr15:33,632,965, G>A. VCF-style: chr15-33632965-G-A. GRCh37 (hg19) VCF-style: chr15-33925166-G-A.
Other names: c.2884G>A, p.Gly962Ser (NM_001243996.4); short protein forms G962S.
Identifiers: ClinVar variation 937220 (VCV000937220.10), dbSNP rs370535769, ClinGen allele CA7458576.

ClinVar aggregate classification (germline): Uncertain significance (1 of 4 stars; one submission).

Conditions:
Epileptic encephalopathy. Identifiers: MedGen C0543888, HP:0200134.

Allele frequency attached by ClinVar (database versions not stated): gnomAD exomes 0.00001 and 0.00004; ExAC 0.00005; gnomAD 0.00007; TOPMed 0.00008; 1000 Genomes Project 30x 0.00016; ESP Exome Variant Server 0.00017; 1000 Genomes Project 0.00020.
gnomAD v4.1: 26 of 1,613,056 alleles (0.0016%); highest among the groups gnomAD compares: African/African-American, 0.021%; no homozygotes.

Submission:

Labcorp Genetics (formerly Invitae), Labcorp
Classification: Uncertain significance for Epileptic encephalopathy. Last evaluated: 2024-02-17. Review status: criteria provided, single submitter. Criteria: Invitae Variant Classification Sherloc (09022015). Collection method: clinical testing. Allele origin: germline.
Comment: This sequence change replaces glycine, which is neutral and non-polar, with serine, which is neutral and polar, at codon 962 of the RYR3 protein (p.Gly962Ser). This variant is present in population databases (rs370535769, gnomAD 0.04%). This variant has not been reported in the literature in individuals affected with RYR3-related conditions. ClinVar contains an entry for this variant (Variation ID: 937220). An algorithm developed to predict the effect of missense changes on protein structure and function (PolyPhen-2) suggests that this variant is likely to be disruptive. In summary, the available evidence is currently insufficient to determine the role of this variant in disease. Therefore, it has been classified as a Variant of Uncertain Significance.